The following is an entry in ClinVar:

NM_000545.8(HNF1A):c.894G>A (p.Ala298=)

Gene: HNF1A (HNF1 homeobox A; plus strand). Cytogenetic location: 12q24.31.
Variant type: single nucleotide variant.
Coding change: c.894G>A on transcript NM_000545.8 (MANE Select); coding-DNA position 894, G replaced by A.
Protein change: p.Ala298=; no amino-acid change (alanine 298 retained).
Molecular consequence: synonymous variant.
Genome position (GRCh38, 1-based): chr12:120,994,344, G>A. VCF-style: chr12-120994344-G-A. GRCh37 (hg19) VCF-style: chr12-121432147-G-A.
Other names: c.894G>A, p.Ala298= (NM_001306179.2).
Identifiers: ClinVar variation 982627 (VCV000982627.8), dbSNP rs951696015, ClinGen allele CA244533151.

ClinVar aggregate classification (germline): Conflicting classifications of pathogenicity. Review status: criteria provided, conflicting classifications (1 of 4 stars). 4 submissions from 4 submitters: Uncertain significance (1); Benign (1); Likely benign (2). Last evaluated 2024-08-23.

Conditions:
Maturity-onset diabetes of the young (MODY). Also called: Maturity onset diabetes mellitus in young. Identifiers: Orphanet 552, MedGen C0342276, MONDO:0018911, HP:0004904.
Type 1 diabetes mellitus 20 (T1D20). Also called: Diabetes mellitus, insulin-dependent, 20. Identifiers: MedGen C2675866, MONDO:0012919, OMIM 612520.

Allele frequency attached by ClinVar (database versions not stated): TOPMed below 0.00001; gnomAD 0.00001; gnomAD exomes 0.00001.
gnomAD v4.1: 10 of 1,603,136 alleles (0.00062%); highest among the groups gnomAD compares: African/African-American, 0.0013%; no homozygotes.

Submissions (4):

Blueprint Genetics
Classification: Likely benign. Last evaluated: 2024-08-23. Review status: criteria provided, single submitter. Criteria: ACMG Guidelines, 2015. Collection method: clinical testing. Allele origin: germline.

Labcorp Genetics (formerly Invitae), Labcorp
Classification: Likely benign. Last evaluated: 2024-01-11. Review status: criteria provided, single submitter. Criteria: Invitae Variant Classification Sherloc (09022015). Collection method: clinical testing. Allele origin: germline.

Institute of Human Genetics, University of Leipzig Medical Center
Classification: Uncertain significance for Type 1 diabetes mellitus 20. Last evaluated: 2019-01-01. Review status: criteria provided, single submitter. Criteria: ACMG Guidelines, 2015. Collection method: clinical testing. Allele origin: unknown. Affected: yes.
Comment: This variant was identified as compound heterozygous.

Clinical Genomics, Uppaluri K&H Personalized Medicine Clinic
Classification: Benign for Maturity-onset diabetes of the young. Review status: criteria provided, single submitter. Criteria: K & H Uppaluri Personalized Medicine Clinic Variant Classification & Assertion Criteria_Updated V.1. Collection method: research. Allele origin: unknown. Inheritance: Autosomal dominant inheritance.
Comment: Mutations in HNF1A gene can predispose to MODY3. It is associated with both micro and macrovascular complications of diabetes, especially cardiovascular complications. Associated with glucosuria. May respond well to sulfonylureas. However, more evidence is required to confer the association of this particular variant rs951696015 with MODY3.

Literature cited by the submitters: PubMed 31517624 (cited by Clinical Genomics, Uppaluri K&H Personalized Medicine Clinic); PubMed 32395877 (cited by Clinical Genomics, Uppaluri K&H Personalized Medicine Clinic); PubMed 35328643 (cited by Clinical Genomics, Uppaluri K&H Personalized Medicine Clinic); PubMed 35673428 (cited by Clinical Genomics, Uppaluri K&H Personalized Medicine Clinic).